The following is an entry in ClinVar:

NM_198525.3(KIF7):c.1176A>G (p.Pro392=)

Gene: KIF7 (kinesin family member 7; minus strand). Cytogenetic location: 15q26.1.
Variant type: single nucleotide variant.
Coding change: c.1176A>G on transcript NM_198525.3 (MANE Select); coding-DNA position 1176, A replaced by G.
Protein change: p.Pro392=; no amino-acid change (proline 392 retained).
Molecular consequence: synonymous variant.
Genome position (GRCh38, 1-based): chr15:89,648,522, T>C on the plus strand (A>G on the coding strand, the complement: KIF7 is on the minus strand). VCF-style: chr15-89648522-T-C. GRCh37 (hg19) VCF-style: chr15-90191753-T-C.
Other names: c.1176A>G (NM_198525.2).
Identifiers: ClinVar variation 1569663 (VCV001569663.10), dbSNP rs1964060075, ClinGen allele CA492293100.

ClinVar aggregate classification (germline): Likely benign. Review status: criteria provided, single submitter (1 of 4 stars). 2 submissions from 2 submitters: Likely benign (1). 1 of the submissions does not count toward it. Last evaluated 2025-08-21.

Conditions:
KIF7-related disorder. Also called: KIF7-related condition.
Acrocallosal syndrome (ACLS). Also called: Schinzel syndrome 1; Absence of corpus callosum with unusual facial appearance, mental deficiency, duplication of the halluces and polydactyly; HALLUX DUPLICATION, POSTAXIAL POLYDACTYLY, AND ABSENCE OF CORPUS CALLOSUM. Identifiers: Orphanet 36, MedGen C0796147, MONDO:0008708, OMIM 200990.

Allele frequency attached by ClinVar (database versions not stated): gnomAD 0.00001.

Submissions (2):

Labcorp Genetics (formerly Invitae), Labcorp
Classification: Likely benign for Acrocallosal syndrome. Last evaluated: 2025-08-21. Review status: criteria provided, single submitter. Criteria: Invitae Variant Classification Sherloc (09022015). Collection method: clinical testing. Allele origin: germline.

PreventionGenetics, part of Exact Sciences
Classification: Likely benign for KIF7-related condition. Last evaluated: 2023-09-14. Review status: no assertion criteria provided. Collection method: clinical testing. Allele origin: germline. Not counted in ClinVar's aggregate classification.
Comment: This variant is classified as likely benign based on ACMG/AMP sequence variant interpretation guidelines (Richards et al. 2015 PMID: 25741868, with internal and published modifications).